The following is an entry in ClinVar:

ClinVar aggregate classification (germline): Uncertain significance (1 of 4 stars; one submission).

Conditions:
Loeys-Dietz syndrome 4 (LDS4). Also called: TGFB2-Related Loeys-Dietz Syndrome; ANEURYSM, AORTIC AND CEREBRAL, WITH ARTERIAL TORTUOSITY AND SKELETAL MANIFESTATIONS. Identifiers: MedGen C3553762, MONDO:0013897, OMIM 614816.

Submission:

Labcorp Genetics (formerly Invitae), Labcorp
Classification: Uncertain significance for Loeys-Dietz syndrome 4. Last evaluated: 2025-11-09. Review status: criteria provided, single submitter. Criteria: Invitae Variant Classification Sherloc (09022015). Collection method: clinical testing. Allele origin: germline.
Comment: This sequence change replaces glutamine, which is neutral and polar, with arginine, which is basic and polar, at codon 155 of the TGFB2 protein (p.Gln155Arg). This variant is not present in population databases (gnomAD no frequency). This variant has not been reported in the literature in individuals affected with TGFB2-related conditions. Invitae Evidence Modeling of protein sequence and biophysical properties (such as structural, functional, and spatial information, amino acid conservation, physicochemical variation, residue mobility, and thermodynamic stability) indicates that this missense variant is not expected to disrupt TGFB2 protein function with a negative predictive value of 80%. In summary, the available evidence is currently insufficient to determine the role of this variant in disease. Therefore, it has been classified as a Variant of Uncertain Significance.

NM_003238.6(TGFB2):c.464A>G (p.Gln155Arg)

Gene: TGFB2 (transforming growth factor beta 2; plus strand). Cytogenetic location: 1q41.
Variant type: single nucleotide variant.
Coding change: c.464A>G on transcript NM_003238.6 (MANE Select); coding-DNA position 464, A replaced by G.
Protein change: p.Gln155Arg; replaces glutamine 155 with arginine.
Molecular consequence: missense variant. On other transcripts: non-coding transcript variant (2).
Genome position (GRCh38, 1-based): chr1:218,405,286, A>G. VCF-style: chr1-218405286-A-G. GRCh37 (hg19) VCF-style: chr1-218578628-A-G.
Other names: c.548A>G, p.Gln183Arg (NM_001135599.4); short protein forms Q183R, Q155R.
Identifiers: ClinVar variation 4693587 (VCV004693587.1).